The following is an entry in ClinVar:

ClinVar aggregate classification (germline): Benign. Review status: reviewed by expert panel (3 of 4 stars). 12 submissions from 9 submitters: Benign (1). 11 of the submissions do not count toward it. Last evaluated 2025-07-01.

Conditions:
Long QT syndrome (LQTS). Identifiers: MedGen C0023976, MeSH D008133, MONDO:0002442. Disease mechanism: loss of function. Inheritance: Various modes of inheritance.
Short QT syndrome type 2. Identifiers: Orphanet 51083, MedGen C1865019, MONDO:0012313, OMIM 609621.
Jervell and Lange-Nielsen syndrome 1 (JLNS1). Also called: CARDIOAUDITORY SYNDROME OF JERVELL AND LANGE-NIELSEN; PROLONGED QT INTERVAL IN EKG AND SUDDEN DEATH; SURDO-CARDIAC SYNDROME; DEAFNESS, CONGENITAL, AND FUNCTIONAL HEART DISEASE. Identifiers: Orphanet 768, Orphanet 90647, MedGen C4551509, MONDO:0024540, OMIM 220400.
Atrial fibrillation, familial, 3 (ATFB3). Identifiers: MedGen C1837014, MONDO:0011857, OMIM 607554.
Long QT syndrome 1 (LQT1). Identifiers: Orphanet 101016, Orphanet 768, MedGen C4551647, MONDO:0100316, OMIM 192500, MONDO:0008646.

Allele frequency attached by ClinVar (database versions not stated): gnomAD exomes 0.00229 and 0.00573; ExAC 0.00652; gnomAD 0.01074 and 0.01080; TOPMed 0.01140; ESP Exome Variant Server 0.01238; 1000 Genomes Project 0.01717; 1000 Genomes Project 30x 0.01749.
gnomAD v4.1: 5,041 of 1,602,918 alleles (0.31%); highest among the groups gnomAD compares: African/African-American, 3.5%; 78 homozygotes.

Submissions (12):

ClinGen Potassium Channel Arrhythmia Variant Curation Expert Panel, ClinGen
Classification: Benign for Long QT syndrome 1. Last evaluated: 2025-07-01. Review status: reviewed by expert panel. Criteria: ClinGen KChannel ACMG Specifications KCNQ1 V1.0.0 2. Collection method: curation. Allele origin: germline. Inheritance: Autosomal dominant inheritance.
Comment: NM_000218.3(KCNQ1):c.477+9C>T is a variant in intron 2. This variant is present in gnomAD v.4.1.0 at a maximum allele frequency of 0.03492 (2612 / 74792 alleles, with 48 homozygotes) in the African/African American population, which is higher than the ClinGen Potassium Channel Arrhythmia VCEP BA1 threshold of >0.001 (BA1). The computational splicing predictor SpliceAI gives this silent variant a delta score of 0.1 for donor loss which is below the ClinGen Potassium Channel Arrhythmia VCEP BP4 threshold of <0.2 and does not strongly predict a splicing defect (BP4). This intronic variant is not located within either of the regions immediately flanking the exon (between +1 and +7 or between -1 and -21), and the conservation tool PhyloP gives this variant a score of -2.693, which is below the Potassium Channel Arrhythmia VCEP BP7 threshold of <2.0 and indicates a low level of evolutionary conservation at this site (BP7). In summary, this variant meets the criteria to be classified as benign for long QT syndrome 1 based on the ACMG/AMP criteria applied, as specified by the ClinGen Potassium Channel Arrhythmia VCEP: BA1, BP4, and BP7. (VCEP specifications version 1.0.0; date of approval 03/04/2025).

Labcorp Genetics (formerly Invitae), Labcorp
Classification: Benign for Long QT syndrome. Last evaluated: 2026-02-04. Review status: criteria provided, single submitter. Criteria: Invitae Variant Classification Sherloc (09022015). Collection method: clinical testing. Allele origin: germline. Not counted in ClinVar's aggregate classification.

Molecular Diagnostic Laboratory for Inherited Cardiovascular Disease, Montreal Heart Institute
Classification: Benign. Last evaluated: 2025-04-09. Review status: criteria provided, single submitter. Criteria: ACMG Guidelines, 2015. Collection method: clinical testing. Allele origin: germline. Affected: no. Not counted in ClinVar's aggregate classification.

ARUP Laboratories, Molecular Genetics and Genomics, ARUP Laboratories
Classification: Benign. Last evaluated: 2024-10-25. Review status: criteria provided, single submitter. Criteria: ARUP Molecular Germline Variant Investigation Process 2024. Collection method: clinical testing. Allele origin: germline. Not counted in ClinVar's aggregate classification.

Illumina Laboratory Services, Illumina
Classification: Benign for Short QT syndrome type 2. Last evaluated: 2018-01-13. Review status: criteria provided, single submitter. Criteria: ICSL Variant Classification Criteria 13 December 2019. Collection method: clinical testing. Allele origin: germline. Not counted in ClinVar's aggregate classification.
Comment: This variant was observed in the ICSL laboratory as part of a predisposition screen in an ostensibly healthy population. It had not been previously curated by ICSL or reported in the Human Gene Mutation Database (HGMD: prior to June 1st, 2018), and was therefore a candidate for classification through an automated scoring system. Utilizing variant allele frequency, disease prevalence and penetrance estimates, and inheritance mode, an automated score was calculated to assess if this variant is too frequent to cause the disease. Based on the score and internal cut-off values, a variant classified as benign is not then subjected to further curation. The score for this variant resulted in a classification of benign for this disease.

Illumina Laboratory Services, Illumina
Classification: Benign for Jervell and Lange-Nielsen syndrome 1. Last evaluated: 2018-01-13. Review status: criteria provided, single submitter. Criteria: ICSL Variant Classification Criteria 13 December 2019. Collection method: clinical testing. Allele origin: germline. Not counted in ClinVar's aggregate classification.
Comment: the same text as in the submission from Illumina Laboratory Services, Illumina above.

Illumina Laboratory Services, Illumina
Classification: Likely benign for Atrial fibrillation, familial, 3. Last evaluated: 2018-01-13. Review status: criteria provided, single submitter. Criteria: ICSL Variant Classification Criteria 13 December 2019. Collection method: clinical testing. Allele origin: germline. Not counted in ClinVar's aggregate classification.
Comment: This variant was observed in the ICSL laboratory as part of a predisposition screen in an ostensibly healthy population. It had not been previously curated by ICSL or reported in the Human Gene Mutation Database (HGMD: prior to June 1st, 2018), and was therefore a candidate for classification through an automated scoring system. Utilizing variant allele frequency, disease prevalence and penetrance estimates, and inheritance mode, an automated score was calculated to assess if this variant is too frequent to cause the disease. Based on the score and internal cut-off values, a variant classified as likely benign is not then subjected to further curation. The score for this variant resulted in a classification of likely benign for this disease.

Illumina Laboratory Services, Illumina
Classification: Benign for Long QT syndrome 1. Last evaluated: 2018-01-13. Review status: criteria provided, single submitter. Criteria: ICSL Variant Classification Criteria 13 December 2019. Collection method: clinical testing. Allele origin: germline. Not counted in ClinVar's aggregate classification.
Comment: the same text as in the submission from Illumina Laboratory Services, Illumina above.

Mayo Clinic Laboratories, Mayo Clinic
Classification: Benign. Last evaluated: 2015-12-04. Review status: criteria provided, single submitter. Criteria: ACMG Guidelines, 2015. Collection method: clinical testing. Allele origin: germline. Observed: 14 variant alleles. Not counted in ClinVar's aggregate classification.

GeneDx
Classification: Benign. Last evaluated: 2015-03-03. Review status: criteria provided, single submitter. Criteria: GeneDx Variant Classification Process June 2021. Collection method: clinical testing. Allele origin: germline. Affected: yes. Not counted in ClinVar's aggregate classification.

Laboratory for Molecular Medicine, Mass General Brigham Personalized Medicine
Classification: Benign. Last evaluated: 2012-05-07. Review status: criteria provided, single submitter. Criteria: LMM Criteria. Collection method: clinical testing. Allele origin: germline. Observed: 13 variant alleles. Not counted in ClinVar's aggregate classification.
Comment: 477+9C>T in Intron 02 of KCNQ1: This variant is not expected to have clinical si gnificance because it is not located within the conserved splice consensus seque nce and has been identified in 3.6% (135/3738) of African American chromosomes f rom a broad population by the NHLBI Exome Sequencing Project (dbSNP rs28730664).

PreventionGenetics, part of Exact Sciences
Classification: Benign. Review status: criteria provided, single submitter. Criteria: ACMG Guidelines, 2015. Collection method: clinical testing. Allele origin: germline. Not counted in ClinVar's aggregate classification.

NM_000218.3(KCNQ1):c.477+9C>T

Gene: KCNQ1 (potassium voltage-gated channel subfamily Q member 1; plus strand). Cytogenetic location: 11p15.5.
Variant type: single nucleotide variant.
Coding change: c.477+9C>T on transcript NM_000218.3 (MANE Select); 9 bases into the intron after coding-DNA position 477, C replaced by T.
Molecular consequence: intron variant.
Genome position (GRCh38, 1-based): chr11:2,528,027, C>T. VCF-style: chr11-2528027-C-T. GRCh37 (hg19) VCF-style: chr11-2549257-C-T.
Other names: p.?; c.207+9C>T (NM_001406837.1); c.477+9C>T (NM_001406836.1, NM_001406838.1); c.96+9C>T (NM_181798.2).
Identifiers: ClinVar variation 163735 (VCV000163735.28), dbSNP rs28730664, ClinGen allele CA007191.